The following is an entry in ClinVar:

NM_001166108.2(PALLD):c.454G>C (p.Val152Leu)

Gene: PALLD (palladin, cytoskeletal associated protein; plus strand). Cytogenetic location: 4q32.3.
Variant type: single nucleotide variant.
Coding change: c.454G>C on transcript NM_001166108.2 (MANE Select); coding-DNA position 454, G replaced by C.
Protein change: p.Val152Leu; replaces valine 152 with leucine.
Molecular consequence: missense variant.
Genome position (GRCh38, 1-based): chr4:168,511,958, G>C. VCF-style: chr4-168511958-G-C. GRCh37 (hg19) VCF-style: chr4-169433109-G-C.
Other names: c.454G>C, p.Val152Leu (NM_016081.4); short protein forms V152L.
Identifiers: ClinVar variation 1741433 (VCV001741433.3), dbSNP rs1458454631, ClinGen allele CA358726060.
Genomic context (GRCh38, chr4:168,511,958, plus strand): 5'-AGCTACATCCGGAGCCTCCGAAAGGCTGAAAAGCGTGGTGCAAAAACTCCCAGCACAAAC[G>C]TAAAGCCCAAAACGCCACATCAAAGAAAGGGTGGCCCCCAGAGCCAGCTGTGTGACAAGG-3'
Protein context (NP_001159580.1, residues 142-162): KRGAKTPSTN[Val152Leu]KPKTPHQRKG

ClinVar aggregate classification (germline): Uncertain significance (1 of 4 stars; one submission).

Submission:

Ambry Genetics
Classification: Uncertain significance. Last evaluated: 2024-09-13. Review status: criteria provided, single submitter. Criteria: Ambry Variant Classification Scheme 2023. Collection method: clinical testing. Allele origin: germline.
Comment: The p.V152L variant (also known as c.454G>C), located in coding exon 1 of the PALLD gene, results from a G to C substitution at nucleotide position 454. The valine at codon 152 is replaced by leucine, an amino acid with highly similar properties. This amino acid position is conserved. In addition, this alteration is predicted to be tolerated by in silico analysis. Since supporting evidence is limited at this time, the clinical significance of this alteration remains unclear.